The following is an entry in ClinVar:

NM_020949.3(SLC7A14):c.265G>A (p.Val89Met)

Genes: SLC7A14 (solute carrier family 7 member 14; minus strand), SLC7A14-AS1 (SLC7A14 antisense RNA 1; plus strand). Cytogenetic location: 3q26.2.
Variant type: single nucleotide variant.
Coding change: c.265G>A on transcript NM_020949.3 (MANE Select); coding-DNA position 265, G replaced by A.
Protein change: p.Val89Met; replaces valine 89 with methionine.
Molecular consequence: missense variant.
Genome position (GRCh38, 1-based): chr3:170,526,672, C>T on the plus strand (G>A on the coding strand, the complement: SLC7A14 is on the minus strand). VCF-style: chr3-170526672-C-T. GRCh37 (hg19) VCF-style: chr3-170244461-C-T.
Other names: short protein forms V89M.
Identifiers: ClinVar variation 4169130 (VCV004169130.3).

ClinVar aggregate classification (germline): Uncertain significance. Review status: criteria provided, multiple submitters, no conflicts (2 of 4 stars). 3 submissions from 3 submitters: Uncertain significance (3). Last evaluated 2025-11-10.

gnomAD v4.1: 50 of 1,614,224 alleles (0.0031%); highest among the groups gnomAD compares: South Asian, 0.049%; no homozygotes.

Submissions (3):

Labcorp Genetics (formerly Invitae), Labcorp
Classification: Uncertain significance. Last evaluated: 2025-11-10. Review status: criteria provided, single submitter. Criteria: Invitae Variant Classification Sherloc (09022015). Collection method: clinical testing. Allele origin: germline.
Comment: This sequence change replaces valine, which is neutral and non-polar, with methionine, which is neutral and non-polar, at codon 89 of the SLC7A14 protein (p.Val89Met). This variant is present in population databases (rs543335668, gnomAD 0.05%). This variant has not been reported in the literature in individuals affected with SLC7A14-related conditions. ClinVar contains an entry for this variant (Variation ID: 4169130). An algorithm developed to predict the effect of missense changes on protein structure and function (PolyPhen-2) suggests that this variant is likely to be disruptive. In summary, the available evidence is currently insufficient to determine the role of this variant in disease. Therefore, it has been classified as a Variant of Uncertain Significance.

Ambry Genetics
Classification: Uncertain significance. Last evaluated: 2025-09-01. Review status: criteria provided, single submitter. Criteria: Ambry Variant Classification Scheme 2023. Collection method: clinical testing. Allele origin: germline.

Blueprint Genetics
Classification: Uncertain significance. Last evaluated: 2022-01-05. Review status: criteria provided, single submitter. Criteria: ACMG Guidelines, 2015. Collection method: clinical testing. Allele origin: germline.